The following is an entry in ClinVar:

ClinVar aggregate classification (germline): Likely benign (1 of 4 stars; one submission).

gnomAD v4.1: 158 of 1,373,402 alleles (0.012%); highest among the groups gnomAD compares: South Asian, 0.024%; no homozygotes.

Submission:

CeGaT Center for Human Genetics Tuebingen
Classification: Likely benign. Last evaluated: 2025-03-01. Review status: criteria provided, single submitter. Criteria: CeGaT Center For Human Genetics Tuebingen Variant Classification Criteria Version 2. Collection method: clinical testing. Allele origin: germline. Affected: yes. Observed: 1 variant allele.
Comment: U2AF2: BP4, BP7

NM_007279.3(U2AF2):c.510C>T (p.Asn170=)

Gene: U2AF2 (U2 small nuclear RNA auxiliary factor 2; plus strand). Cytogenetic location: 19q13.42.
Variant type: single nucleotide variant.
Coding change: c.510C>T on transcript NM_007279.3 (MANE Select); coding-DNA position 510, C replaced by T.
Protein change: p.Asn170=; no amino-acid change (asparagine 170 retained).
Molecular consequence: synonymous variant.
Genome position (GRCh38, 1-based): chr19:55,662,525, C>T. VCF-style: chr19-55662525-C-T. GRCh37 (hg19) VCF-style: chr19-56173891-C-T.
Other names: c.510C>T, p.Asn170= (NM_001012478.2).
Identifiers: ClinVar variation 3778066 (VCV003778066.7).
Genomic context (GRCh38, chr19:55,662,525, plus strand): 5'-CCCCCGCCCCCCCCCTTGTCTCCTATTCCCTCTGCAGGAGGCCATGATGGATTTCTTCAA[C>T]GCCCAGATGCGCCTGGGGGGGCTGACCCAGGCCCCTGGCAACCCAGTGTTGGCTGTGCAG-3'
Protein context (NP_009210.1, residues 160-180): ITEEAMMDFF[Asn170=]AQMRLGGLTQ